The following is an entry in ClinVar:

ClinVar aggregate classification (germline): Uncertain significance (1 of 4 stars; one submission).

Allele frequency attached by ClinVar (database versions not stated): ExAC 0.00002; gnomAD exomes 0.00002 and 0.00010; TOPMed 0.00003; gnomAD 0.00004; ESP Exome Variant Server 0.00008.
gnomAD v4.1: 146 of 1,614,108 alleles (0.009%); highest among the groups gnomAD compares: Non-Finnish European, 0.012%; no homozygotes.

Submission:

Labcorp Genetics (formerly Invitae), Labcorp
Classification: Uncertain significance. Last evaluated: 2022-04-18. Review status: criteria provided, single submitter. Criteria: Invitae Variant Classification Sherloc (09022015). Collection method: clinical testing. Allele origin: germline.
Comment: This sequence change replaces asparagine, which is neutral and polar, with serine, which is neutral and polar, at codon 128 of the UNC80 protein (p.Asn128Ser). This variant is present in population databases (rs367659566, gnomAD 0.004%). This variant has not been reported in the literature in individuals affected with UNC80-related conditions. Algorithms developed to predict the effect of missense changes on protein structure and function output the following: SIFT: "Not Available"; PolyPhen-2: "Benign"; Align-GVGD: "Not Available". The serine amino acid residue is found in multiple mammalian species, which suggests that this missense change does not adversely affect protein function. In summary, the available evidence is currently insufficient to determine the role of this variant in disease. Therefore, it has been classified as a Variant of Uncertain Significance.

NM_001371986.1(UNC80):c.383A>G (p.Asn128Ser)

Gene: UNC80 (unc-80 homolog, NALCN channel complex subunit; plus strand). Cytogenetic location: 2q34.
Variant type: single nucleotide variant.
Coding change: c.383A>G on transcript NM_001371986.1 (MANE Select); coding-DNA position 383, A replaced by G.
Protein change: p.Asn128Ser; replaces asparagine 128 with serine.
Molecular consequence: missense variant.
Genome position (GRCh38, 1-based): chr2:209,777,342, A>G. VCF-style: chr2-209777342-A-G. GRCh37 (hg19) VCF-style: chr2-210642066-A-G.
Other names: c.383A>G, p.Asn128Ser (NM_032504.2, NM_182587.4); short protein forms N128S.
Identifiers: ClinVar variation 1517568 (VCV001517568.3), dbSNP rs367659566, ClinGen allele CA2082732.